The following is an entry in ClinVar:

NM_018896.5(CACNA1G):c.277C>T (p.Leu93Phe)

Gene: CACNA1G (calcium voltage-gated channel subunit alpha1 G; plus strand). Cytogenetic location: 17q21.33.
Variant type: single nucleotide variant.
Coding change: c.277C>T on transcript NM_018896.5 (MANE Select); coding-DNA position 277, C replaced by T.
Protein change: p.Leu93Phe; replaces leucine 93 with phenylalanine.
Molecular consequence: missense variant. On other transcripts: non-coding transcript variant (5).
Genome position (GRCh38, 1-based): chr17:50,568,904, C>T. VCF-style: chr17-50568904-C-T. GRCh37 (hg19) VCF-style: chr17-48646265-C-T.
Other names: c.277C>T, p.Leu93Phe (NM_001256324.2, NM_001256325.2, NM_001256326.2 and 24 more transcripts); short protein forms L93F.
Identifiers: ClinVar variation 3390633 (VCV003390633.1).

ClinVar aggregate classification (germline): Likely pathogenic (1 of 4 stars; one submission).

Submission:

GeneDx
Classification: Likely pathogenic. Last evaluated: 2024-06-15. Review status: criteria provided, single submitter. Criteria: GeneDx Variant Classification Process June 2021. Collection method: clinical testing. Allele origin: germline. Affected: yes.
Comment: Not observed at significant frequency in large population cohorts (gnomAD); In silico analysis supports that this missense variant has a deleterious effect on protein structure/function; Has not been previously published as pathogenic or benign to our knowledge